The following is an entry in ClinVar:

NM_001042492.3(NF1):c.3943C>T (p.Gln1315Ter)

Gene: NF1 (neurofibromin 1; plus strand). Cytogenetic location: 17q11.2.
Variant type: single nucleotide variant.
Coding change: c.3943C>T on transcript NM_001042492.3 (MANE Select); coding-DNA position 3943, C replaced by T.
Protein change: p.Gln1315Ter; replaces glutamine 1315 with a stop codon.
Molecular consequence: nonsense.
Genome position (GRCh38, 1-based): chr17:31,235,990, C>T. VCF-style: chr17-31235990-C-T. GRCh37 (hg19) VCF-style: chr17-29563008-C-T.
Other names: c.3943C>T, p.Gln1315Ter (NM_000267.4); short protein forms Q1315*.
Identifiers: ClinVar variation 938573 (VCV000938573.9), dbSNP rs2067194846, ClinGen allele CA398993236.

ClinVar aggregate classification (germline): Pathogenic. Review status: criteria provided, multiple submitters, no conflicts (2 of 4 stars). 3 submissions from 3 submitters: Pathogenic (3). Last evaluated 2023-10-24.

Conditions:
Hereditary cancer-predisposing syndrome. Also called: Tumor predisposition; Hereditary neoplastic syndrome; Neoplastic Syndromes, Hereditary; Hereditary Cancer Syndrome. Identifiers: Orphanet 140162, MedGen C0027672, MeSH D009386, MONDO:0015356.
Cardiovascular phenotype. Identifiers: MedGen CN230736.
Neurofibromatosis, type 1 (NF1). Also called: Peripheral type neurofibromatosis; VON RECKLINGHAUSEN DISEASE; Neurofibromatosis, type I; NEUROFIBROMATOSIS, TYPE I, SOMATIC. Identifiers: Orphanet 636, MedGen C0027831, MONDO:0018975, OMIM 162200. Disease mechanism: loss of function.

Submissions (3):

KCCC/NGS Laboratory, Kuwait Cancer Control Center
Classification: Pathogenic for Neurofibromatosis, type 1. Last evaluated: 2023-10-24. Review status: criteria provided, single submitter. Criteria: ACMG Guidelines, 2015. Collection method: clinical testing. Allele origin: germline. Inheritance: Autosomal dominant inheritance. Affected: yes. Observed: 1 heterozygote.
Comment: This sequence change creates a premature translational stop signal (p.Gln1315*) in the NF1 gene. It is expected to result in an absent or disrupted protein product. Loss-of-function variants in NF1 are known to be pathogenic (PMID: 10712197, 23913538). This variant is not present in population databases (gnomAD no frequency). This premature translational stop signal has been observed in individual(s) with clinical features of NF1-related conditions (PMID: 21520333). ClinVar contains an entry for this variant (Variation ID: 938573). Algorithms developed to predict the effect of sequence changes on RNA splicing suggest that this variant may disrupt the consensus splice site. For these reasons, this variant has been classified as Pathogenic.

Labcorp Genetics (formerly Invitae), Labcorp
Classification: Pathogenic for Neurofibromatosis, type 1. Last evaluated: 2023-02-14. Review status: criteria provided, single submitter. Criteria: Invitae Variant Classification Sherloc (09022015). Collection method: clinical testing. Allele origin: germline.
Comment: RNA analysis performed to evaluate the impact of this premature translational stop signal on mRNA splicing indicates it does not significantly alter splicing (Invitae). For these reasons, this variant has been classified as Pathogenic. ClinVar contains an entry for this variant (Variation ID: 938573). This premature translational stop signal has been observed in individual(s) with clinical features of NF1-related conditions (PMID: 21520333). This variant is not present in population databases (gnomAD no frequency). This sequence change creates a premature translational stop signal (p.Gln1315*) in the NF1 gene. It is expected to result in an absent or disrupted protein product. Loss-of-function variants in NF1 are known to be pathogenic (PMID: 10712197, 23913538).

Ambry Genetics
Classification: Pathogenic for Cardiovascular phenotype; Hereditary cancer-predisposing syndrome. Last evaluated: 2020-05-06. Review status: criteria provided, single submitter. Criteria: Ambry Variant Classification Scheme 2023. Collection method: clinical testing. Allele origin: germline.
Comment: The p.Q1315* pathogenic mutation (also known as c.3943C>T), located in coding exon 29 of the NF1 gene, results from a C to T substitution at nucleotide position 3943. This changes the amino acid from a glutamine to a stop codon within coding exon 29. This mutation has been reported in a cohort of 338 unrelated probands with a clinically definite or suspected Neurofibromatosis type 1 (NF1) diagnosis (van Minkelen R et al. Clin. Genet., 2014 Apr;85:318-27). In addition to the clinical data presented in the literature, this alteration is expected to result in loss of function by premature protein truncation or nonsense-mediated mRNA decay. As such, this alteration is interpreted as a disease-causing mutation.

Literature cited by the submitters: PubMed 21520333 (cited by Labcorp Genetics (formerly Invitae), Labcorp); PubMed 10712197 (cited by Labcorp Genetics (formerly Invitae), Labcorp); PubMed 23913538 (cited by Labcorp Genetics (formerly Invitae), Labcorp).